The following is an entry in ClinVar:

ClinVar aggregate classification (germline): Uncertain significance. Review status: criteria provided, multiple submitters, no conflicts (2 of 4 stars). 2 submissions from 2 submitters: Uncertain significance (2). Last evaluated 2024-03-22.

Conditions:
Autosomal recessive hypophosphatemic bone disease (HHRH). Also called: HYPERCALCIURIC RICKETS; Hypophosphatemic rickets with hypercalciuria. Identifiers: Orphanet 157215, MedGen C1853271, MONDO:0009431, OMIM 241530.

Allele frequency attached by ClinVar (database versions not stated): ExAC 0.00001.
gnomAD v4.1: 33 of 1,596,044 alleles (0.0021%); highest among the groups gnomAD compares: Admixed American, 0.012%; no homozygotes.

Submissions (2):

Fulgent Genetics
Classification: Uncertain significance for Autosomal recessive hypophosphatemic bone disease. Last evaluated: 2024-03-22. Review status: criteria provided, single submitter. Criteria: ACMG Guidelines, 2015. Collection method: clinical testing. Allele origin: germline.

Labcorp Genetics (formerly Invitae), Labcorp
Classification: Uncertain significance. Last evaluated: 2022-08-21. Review status: criteria provided, single submitter. Criteria: Invitae Variant Classification Sherloc (09022015). Collection method: clinical testing. Allele origin: germline.
Comment: This sequence change replaces threonine, which is neutral and polar, with methionine, which is neutral and non-polar, at codon 319 of the SLC34A3 protein (p.Thr319Met). The frequency data for this variant in the population databases is considered unreliable, as metrics indicate poor data quality at this position in the gnomAD database. This variant has not been reported in the literature in individuals affected with SLC34A3-related conditions. ClinVar contains an entry for this variant (Variation ID: 1394831). Algorithms developed to predict the effect of missense changes on protein structure and function are either unavailable or do not agree on the potential impact of this missense change (SIFT: "Deleterious"; PolyPhen-2: "Benign"; Align-GVGD: "Class C15"). In summary, the available evidence is currently insufficient to determine the role of this variant in disease. Therefore, it has been classified as a Variant of Uncertain Significance.

NM_001177316.2(SLC34A3):c.956C>T (p.Thr319Met)

Gene: SLC34A3 (solute carrier family 34 member 3; plus strand). Cytogenetic location: 9q34.3.
Variant type: single nucleotide variant.
Coding change: c.956C>T on transcript NM_001177316.2 (MANE Select); coding-DNA position 956, C replaced by T.
Protein change: p.Thr319Met; replaces threonine 319 with methionine.
Molecular consequence: missense variant.
Genome position (GRCh38, 1-based): chr9:137,234,139, C>T. VCF-style: chr9-137234139-C-T. GRCh37 (hg19) VCF-style: chr9-140128591-C-T.
Other names: c.956C>T, p.Thr319Met (NM_001177317.2, NM_080877.3); short protein forms T319M.
Identifiers: ClinVar variation 1394831 (VCV001394831.6), dbSNP rs769622295, ClinGen allele CA5364710.